The following is an entry in ClinVar:

ClinVar aggregate classification (germline): Uncertain significance (1 of 4 stars; one submission).

Conditions:
Cardiovascular phenotype. Identifiers: MedGen CN230736.
Hereditary cancer-predisposing syndrome. Also called: Neoplastic Syndromes, Hereditary; Tumor predisposition; Hereditary Cancer Syndrome; Hereditary neoplastic syndrome. Identifiers: Orphanet 140162, MedGen C0027672, MeSH D009386, MONDO:0015356.

Submission:

Ambry Genetics
Classification: Uncertain significance for Cardiovascular phenotype; Hereditary cancer-predisposing syndrome. Last evaluated: 2016-12-12. Review status: criteria provided, single submitter. Criteria: Ambry Variant Classification Scheme 2023. Collection method: clinical testing. Allele origin: germline.
Comment: The p.Y692F variant (also known as c.2075A>T), located in coding exon 18 of the NF1 gene, results from an A to T substitution at nucleotide position 2075. The tyrosine at codon 692 is replaced by phenylalanine, an amino acid with highly similar properties. This amino acid position is highly conserved in available vertebrate species. In addition, this alteration is predicted to be tolerated by in silico analysis. Since supporting evidence is limited at this time, the clinical significance of this alteration remains unclear.

NM_001042492.3(NF1):c.2075A>T (p.Tyr692Phe)

Gene: NF1 (neurofibromin 1; plus strand). Cytogenetic location: 17q11.2.
Variant type: single nucleotide variant.
Coding change: c.2075A>T on transcript NM_001042492.3 (MANE Select); coding-DNA position 2075, A replaced by T.
Protein change: p.Tyr692Phe; replaces tyrosine 692 with phenylalanine.
Molecular consequence: missense variant.
Genome position (GRCh38, 1-based): chr17:31,226,508, A>T. VCF-style: chr17-31226508-A-T. GRCh37 (hg19) VCF-style: chr17-29553526-A-T.
Other names: c.2075A>T, p.Tyr692Phe (NM_000267.4); short protein forms Y692F.
Identifiers: ClinVar variation 481965 (VCV000481965.5), dbSNP rs1555613792, ClinGen allele CA398982175.
Genomic context (GRCh38, chr17:31,226,508, plus strand): 5'-GATGCAGCGGAACCCCCCCGATTTGCCGACAAGCCCAGACCAAACTAGAAGTGGCCCTGT[A>T]CATGTTTCTGTGGAACCCTGACACTGAAGCTGTTCTGGTTGCCATGTCCTGTTTCCGCCA-3'
Protein context (NP_001035957.1, residues 682-702): QAQTKLEVAL[Tyr692Phe]MFLWNPDTEA